The following is an entry in ClinVar:

ClinVar aggregate classification (germline): Conflicting classifications of pathogenicity. Review status: criteria provided, conflicting classifications (1 of 4 stars). 2 submissions from 2 submitters: Likely pathogenic (1); Uncertain significance (1). Last evaluated 2020-06-03.

Conditions:
Charcot-Marie-Tooth disease axonal type 2O. Also called: Charcot-Marie-Tooth Neuropathy Type 2O; Charcot-Marie-Tooth disease, axonal, type 20; CHARCOT-MARIE-TOOTH NEUROPATHY, AXONAL, TYPE 2O; CHARCOT-MARIE-TOOTH DISEASE, AXONAL, AUTOSOMAL DOMINANT, TYPE 2O. Identifiers: Orphanet 284232, MedGen C3280220, MONDO:0013644, OMIM 614228.

Submissions (2):

Baylor Genetics
Classification: Uncertain significance for Charcot-Marie-Tooth disease axonal type 2O. Last evaluated: 2020-06-03. Review status: criteria provided, single submitter. Criteria: ACMG Guidelines, 2015. Collection method: clinical testing. Allele origin: unknown. Affected: yes.
Comment: This variant was determined to be of uncertain significance according to ACMG Guidelines, 2015 [PMID:25741868].

CeGaT Center for Human Genetics Tuebingen
Classification: Likely pathogenic. Last evaluated: 2019-12-01. Review status: criteria provided, single submitter. Criteria: CeGaT Center For Human Genetics Tuebingen Variant Classification Criteria Version 2. Collection method: clinical testing. Allele origin: germline. Affected: yes. Observed: 2 variant alleles.

NM_001376.5(DYNC1H1):c.3188T>C (p.Met1063Thr)

Gene: DYNC1H1 (dynein cytoplasmic 1 heavy chain 1; plus strand). Cytogenetic location: 14q32.31.
Variant type: single nucleotide variant.
Coding change: c.3188T>C on transcript NM_001376.5 (MANE Select); coding-DNA position 3188, T replaced by C.
Protein change: p.Met1063Thr; replaces methionine 1063 with threonine.
Molecular consequence: missense variant.
Genome position (GRCh38, 1-based): chr14:101,994,704, T>C. VCF-style: chr14-101994704-T-C. GRCh37 (hg19) VCF-style: chr14-102461041-T-C.
Other names: short protein forms M1063T.
Identifiers: ClinVar variation 871286 (VCV000871286.42), dbSNP rs2048038458, ClinGen allele CA391032856.